The following is an entry in ClinVar:

NM_001003722.2(GLE1):c.1685dup (p.Gln563fs)

Genes: GLE1 (GLE1 RNA export mediator; plus strand), LOC101929270 (uncharacterized LOC101929270; minus strand). Cytogenetic location: 9q34.11.
Variant type: Duplication.
Coding change: c.1685dup on transcript NM_001003722.2 (MANE Select); coding-DNA position 1685, one base duplicated (A; older notation c.1685dupA).
Protein change: p.Gln563fs; shifts the reading frame from glutamine 563.
Molecular consequence: frameshift variant.
Genome position (GRCh38, 1-based): chr9:128,536,393, A duplicated. VCF-style (leftmost placement, unchanged base first): chr9-128536392-C-CA. GRCh37 (hg19) VCF-style: chr9-131298671-C-CA.
Other names: c.1712dup, p.Gln572fs (NM_001411013.1); c.1685dup, p.Gln563fs (NM_001499.2); c.1685dupA (NM_001003722.1); short protein forms Q563fs, Q572fs.
Identifiers: ClinVar variation 2636394 (VCV002636394.4), dbSNP rs1847710909, ClinGen allele CA1880329035.

ClinVar aggregate classification (germline): Pathogenic/Likely pathogenic. Review status: criteria provided, multiple submitters, no conflicts (2 of 4 stars). 2 submissions from 2 submitters: Pathogenic (1); Likely pathogenic (1). Last evaluated 2022-12-02.

Conditions:
GLE1-related disorder. Also called: GLE1-related condition; GLE1-related disorders.

Submissions (2):

Labcorp Genetics (formerly Invitae), Labcorp
Classification: Pathogenic. Last evaluated: 2022-12-02. Review status: criteria provided, single submitter. Criteria: Invitae Variant Classification Sherloc (09022015). Collection method: clinical testing. Allele origin: germline.
Comment: For these reasons, this variant has been classified as Pathogenic. This variant has not been reported in the literature in individuals affected with GLE1-related conditions. This sequence change creates a premature translational stop signal (p.Gln563Alafs*62) in the GLE1 gene. It is expected to result in an absent or disrupted protein product. Loss-of-function variants in GLE1 are known to be pathogenic (PMID: 18204449, 24243016, 27684565). This variant is not present in population databases (gnomAD no frequency).

PreventionGenetics, part of Exact Sciences
Classification: Likely pathogenic for GLE1-related condition. Last evaluated: 2022-09-08. Review status: criteria provided, single submitter. Criteria: ACMG Guidelines, 2015. Collection method: clinical testing. Allele origin: germline.
Comment: The GLE1 c.1685dupA variant is predicted to result in a frameshift and premature protein termination (p.Gln563Alafs*62). To our knowledge, this variant has not been reported in the literature or in a large population database, indicating this variant is rare. Frameshift variants in GLE1 are expected to be pathogenic. This variant is interpreted as likely pathogenic.

Literature cited by the submitters: PubMed 18204449 (cited by Labcorp Genetics (formerly Invitae), Labcorp); PubMed 24243016 (cited by Labcorp Genetics (formerly Invitae), Labcorp); PubMed 27684565 (cited by Labcorp Genetics (formerly Invitae), Labcorp).